The following is an entry in ClinVar:

ClinVar aggregate classification (germline): Uncertain significance (1 of 4 stars; one submission).

Conditions:
Koolen-de Vries syndrome (KDVS). Identifiers: Orphanet 96169, MedGen C1864871, MONDO:0012496, OMIM 610443.

Allele frequency attached by ClinVar (database versions not stated): gnomAD exomes below 0.00001; ExAC 0.00001.

Submission:

Labcorp Genetics (formerly Invitae), Labcorp
Classification: Uncertain significance for Koolen-de Vries syndrome. Last evaluated: 2021-09-17. Review status: criteria provided, single submitter. Criteria: Invitae Variant Classification Sherloc (09022015). Collection method: clinical testing. Allele origin: germline.
Comment: Due to the possible presence of a polymorphic segmental duplication, the location of the variant could not be unambiguously resolved. Variants with ambiguous mapping are still reported relative to the KANSL1 transcript. This sequence change replaces threonine with isoleucine at codon 206 of the KANSL1 protein (p.Thr206Ile). The threonine residue is highly conserved and there is a moderate physicochemical difference between threonine and isoleucine. The frequency data for this variant in the population databases (ExAC) is considered unreliable due to the presence of homologous sequence, such as pseudogenes or paralogs, in the genome. This variant has not been reported in the literature in individuals with KANSL1-related conditions. Algorithms developed to predict the effect of missense changes on protein structure and function are either unavailable or do not agree on the potential impact of this missense change (SIFT: "Deleterious"; PolyPhen-2: "Probably Damaging"; Align-GVGD: "Class C15"). Until the location of this sequence change can be resolved, the clinical significance of this variant remains uncertain. It has been classified as a Variant of Uncertain Significance.

NM_015443.4(KANSL1):c.617C>T (p.Thr206Ile)

Gene: KANSL1 (KAT8 regulatory NSL complex subunit 1). Cytogenetic location: 17q21.31.
Variant type: single nucleotide variant.
Coding change: c.617C>T on transcript NM_015443.4 (MANE Select); coding-DNA position 617, C replaced by T.
Protein change: p.Thr206Ile; replaces threonine 206 with isoleucine.
Molecular consequence: missense variant.
Genome position (GRCh38, 1-based): chr17:46,171,527, G>A on the plus strand (C>T on the coding strand, the complement: KANSL1 is on the minus strand). VCF-style: chr17-46171527-G-A. GRCh37 (hg19) VCF-style: chr17-44248893-G-A.
Other names: c.617C>T, p.Thr206Ile (NM_001193465.2, NM_001193466.2, NM_001379198.1); short protein forms T206I.
Identifiers: ClinVar variation 1358856 (VCV001358856.5), dbSNP rs761141661, ClinGen allele CA8619014.